The following is an entry in ClinVar:

NM_001042545.2(LTBP4):c.3694G>T (p.Glu1232Ter)

Gene: LTBP4 (latent transforming growth factor beta binding protein 4; plus strand). Cytogenetic location: 19q13.2.
Variant type: single nucleotide variant.
Coding change: c.3694G>T on transcript NM_001042545.2 (MANE Select); coding-DNA position 3694, G replaced by T.
Protein change: p.Glu1232Ter; replaces glutamic acid 1232 with a stop codon.
Molecular consequence: nonsense.
Genome position (GRCh38, 1-based): chr19:40,623,944, G>T. VCF-style: chr19-40623944-G-T. GRCh37 (hg19) VCF-style: chr19-41129849-G-T.
Other names: c.3895G>T, p.Glu1299Ter (NM_001042544.1); c.3784G>T, p.Glu1262Ter (NM_003573.2); short protein forms E1232*, E1262*, E1299*.
Identifiers: ClinVar variation 2750551 (VCV002750551.3), dbSNP rs758640982, ClinGen allele CA405908161.

ClinVar aggregate classification (germline): Pathogenic (1 of 4 stars; one submission).

gnomAD v4.1: 1 of 1,613,924 alleles (0.000062%); highest among the groups gnomAD compares: Non-Finnish European, 0.000085%; no homozygotes.

Submission:

Labcorp Genetics (formerly Invitae), Labcorp
Classification: Pathogenic. Last evaluated: 2023-09-09. Review status: criteria provided, single submitter. Criteria: Invitae Variant Classification Sherloc (09022015). Collection method: clinical testing. Allele origin: germline.
Comment: This sequence change creates a premature translational stop signal (p.Glu1262*) in the LTBP4 gene. It is expected to result in an absent or disrupted protein product. Loss-of-function variants in LTBP4 are known to be pathogenic (PMID: 19836010, 22829427). This variant is not present in population databases (gnomAD no frequency). This variant has not been reported in the literature in individuals affected with LTBP4-related conditions. For these reasons, this variant has been classified as Pathogenic.

Literature cited by the submitters: PubMed 19836010; PubMed 22829427.